The following is an entry in ClinVar:

ClinVar aggregate classification (germline): Uncertain significance (1 of 4 stars; one submission).

Conditions:
Agammaglobulinemia 2, autosomal recessive (AGM2). Also called: AGAMMAGLOBULINEMIA, AUTOSOMAL RECESSIVE, DUE TO IGLL1 DEFECT. Identifiers: MedGen C3150750, MONDO:0013287, OMIM 613500.

Allele frequency attached by ClinVar (database versions not stated): gnomAD 0.00001 and 0.00003; TOPMed 0.00002; 1000 Genomes Project 30x 0.00016; 1000 Genomes Project 0.00020.
gnomAD v4.1: 42 of 1,614,128 alleles (0.0026%); highest among the groups gnomAD compares: East Asian, 0.071%; no homozygotes.

Submission:

Labcorp Genetics (formerly Invitae), Labcorp
Classification: Uncertain significance for Agammaglobulinemia 2, autosomal recessive. Last evaluated: 2023-11-21. Review status: criteria provided, single submitter. Criteria: Invitae Variant Classification Sherloc (09022015). Collection method: clinical testing. Allele origin: germline.
Comment: This sequence change replaces glutamine, which is neutral and polar, with histidine, which is basic and polar, at codon 195 of the IGLL1 protein (p.Gln195His). This variant is present in population databases (rs530821067, gnomAD 0.02%). This variant has not been reported in the literature in individuals affected with IGLL1-related conditions. ClinVar contains an entry for this variant (Variation ID: 1504082). An algorithm developed to predict the effect of missense changes on protein structure and function (PolyPhen-2) suggests that this variant is likely to be tolerated. In summary, the available evidence is currently insufficient to determine the role of this variant in disease. Therefore, it has been classified as a Variant of Uncertain Significance.

NM_020070.4(IGLL1):c.585G>T (p.Gln195His)

Gene: IGLL1 (immunoglobulin lambda like polypeptide 1; minus strand). Cytogenetic location: 22q11.23.
Variant type: single nucleotide variant.
Coding change: c.585G>T on transcript NM_020070.4 (MANE Select); coding-DNA position 585, G replaced by T.
Protein change: p.Gln195His; replaces glutamine 195 with histidine.
Molecular consequence: missense variant. On other transcripts: 3 prime UTR variant (1).
Genome position (GRCh38, 1-based): chr22:23,573,323, C>A on the plus strand (G>T on the coding strand, the complement: IGLL1 is on the minus strand). VCF-style: chr22-23573323-C-A. GRCh37 (hg19) VCF-style: chr22-23915510-C-A.
Other names: c.588G>T, p.Gln196His (NM_001369906.1); c.*214G>T (NM_152855.3); short protein forms Q195H, Q196H.
Identifiers: ClinVar variation 1504082 (VCV001504082.9), dbSNP rs530821067, ClinGen allele CA10143221.